The following is an entry in ClinVar:

ClinVar aggregate classification (germline): Uncertain significance (1 of 4 stars; one submission).

Conditions:
Inborn genetic diseases. Identifiers: MedGen C0950123, MeSH D030342.

Submission:

Ambry Genetics
Classification: Uncertain significance for Inborn genetic diseases. Last evaluated: 2023-11-20. Review status: criteria provided, single submitter. Criteria: Ambry Variant Classification Scheme 2023. Collection method: clinical testing. Allele origin: germline.
Comment: The c.1066+4G>T intronic alteration consists of a G to T substitution 4 nucleotides after coding exon 15 in the CAMK2A gene. This variant was not reported in population-based cohorts in the Genome Aggregation Database (gnomAD). This nucleotide position is highly conserved in available vertebrate species. In silico splice site analysis predicts that this alteration will not have any significant effect on splicing. Based on insufficient or conflicting evidence, the clinical significance of this alteration remains unclear.

NM_015981.4(CAMK2A):c.1066+4G>T

Gene: CAMK2A (calcium/calmodulin dependent protein kinase II alpha; minus strand). Cytogenetic location: 5q32.
Variant type: single nucleotide variant.
Coding change: c.1066+4G>T on transcript NM_015981.4 (MANE Select); 4 bases into the intron after coding-DNA position 1066, G replaced by T.
Molecular consequence: intron variant.
Genome position (GRCh38, 1-based): chr5:150,238,696, C>A on the plus strand (G>T on the coding strand, the complement: CAMK2A is on the minus strand). VCF-style: chr5-150238696-C-A. GRCh37 (hg19) VCF-style: chr5-149618259-C-A.
Other names: c.1033+4G>T (NM_001363990.1, NM_171825.3, NM_001369025.2); c.1066+4G>T (NM_001363989.1).
Identifiers: ClinVar variation 3136786 (VCV003136786.1), dbSNP rs1755201903, ClinGen allele CA645551728.